The following is an entry in ClinVar:

ClinVar aggregate classification (germline): Likely benign (1 of 4 stars; one submission).

Allele frequency attached by ClinVar (database versions not stated): gnomAD exomes 0.00046; 1000 Genomes Project 30x 0.00234; 1000 Genomes Project 0.00260; gnomAD 0.00375 and 0.00418; TOPMed 0.00431.
gnomAD v4.1: 834 of 720,460 alleles (0.12%); highest among the groups gnomAD compares: African/African-American, 1.4%; 4 homozygotes.

Submission:

GeneDx
Classification: Likely benign. Last evaluated: 2018-06-16. Review status: criteria provided, single submitter. Criteria: GeneDx Variant Classification (06012015). Collection method: clinical testing. Allele origin: germline. Affected: yes.
Comment: This variant is considered likely benign or benign based on one or more of the following criteria: it is a conservative change, it occurs at a poorly conserved position in the protein, it is predicted to be benign by multiple in silico algorithms, and/or has population frequency not consistent with disease.

NM_020297.4(ABCC9):c.4211+123A>T

Genes: ABCC9 (ATP binding cassette subfamily C member 9; minus strand), KCNJ8-AS1 (KCNJ8 antisense RNA 1; plus strand). Cytogenetic location: 12p12.1.
Variant type: single nucleotide variant.
Coding change: c.4211+123A>T on transcript NM_020297.4 (MANE Select); 123 bases into the intron after coding-DNA position 4211, A replaced by T.
Molecular consequence: intron variant.
Genome position (GRCh38, 1-based): chr12:21,811,926, T>A on the plus strand (A>T on the coding strand, the complement: ABCC9 is on the minus strand). VCF-style: chr12-21811926-T-A. GRCh37 (hg19) VCF-style: chr12-21964860-T-A.
Other names: c.3344+123A>T (NM_001377274.1); c.4211+123A>T (NM_005691.4, NM_001377273.1).
Identifiers: ClinVar variation 675789 (VCV000675789.1), dbSNP rs150039628, ClinGen allele CA233612202.